The following is an entry in ClinVar:

ClinVar aggregate classification (germline): Likely benign (0 of 4 stars; one submission).

Conditions:
PLXNA4-related disorder. Also called: PLXNA4-related condition.

Allele frequency attached by ClinVar (database versions not stated): gnomAD exomes 0.00003; ExAC 0.00008; gnomAD 0.00023; TOPMed 0.00027; 1000 Genomes Project 30x 0.00031; ESP Exome Variant Server 0.00033; 1000 Genomes Project 0.00040.
gnomAD v4.1: 79 of 1,614,136 alleles (0.0049%); highest among the groups gnomAD compares: African/African-American, 0.053%; 1 homozygote.

Submission:

PreventionGenetics, part of Exact Sciences
Classification: Likely benign for PLXNA4-related condition. Last evaluated: 2023-01-09. Review status: no assertion criteria provided. Collection method: clinical testing. Allele origin: germline.
Comment: This variant is classified as likely benign based on ACMG/AMP sequence variant interpretation guidelines (Richards et al. 2015 PMID: 25741868, with internal and published modifications).

NM_020911.2(PLXNA4):c.3177C>T (p.Ala1059=)

Gene: PLXNA4 (plexin A4; minus strand). Cytogenetic location: 7q32.3.
Variant type: single nucleotide variant.
Coding change: c.3177C>T on transcript NM_020911.2 (MANE Select); coding-DNA position 3177, C replaced by T.
Protein change: p.Ala1059=; no amino-acid change (alanine 1059 retained).
Molecular consequence: synonymous variant.
Genome position (GRCh38, 1-based): chr7:132,182,172, G>A on the plus strand (C>T on the coding strand, the complement: PLXNA4 is on the minus strand). VCF-style: chr7-132182172-G-A. GRCh37 (hg19) VCF-style: chr7-131866931-G-A.
Other names: c.3177C>T, p.Ala1059= (NM_001393897.1).
Identifiers: ClinVar variation 3053716 (VCV003053716.2), dbSNP rs368848735, ClinGen allele CA4489570.